The following continues an entry in ClinVar:

NM_007294.4(BRCA1):c.2389G>T (p.Glu797Ter)

Gene: BRCA1. ClinVar aggregate classification (germline): Pathogenic. Pathogenic (1).

Submissions 15 to 22 of 22:

Department of Medical Genetics, Oslo University Hospital
Classification: Pathogenic for Breast-ovarian cancer, familial, susceptibility to, 1. Last evaluated: 2015-07-01. Review status: criteria provided, single submitter. Criteria: ACMG Guidelines, 2015. Collection method: clinical testing. Allele origin: germline. Affected: yes. Observed: 2 variant alleles. Not counted in ClinVar's aggregate classification.

GeneDx
Classification: Pathogenic. Last evaluated: 2015-04-27. Review status: criteria provided, single submitter. Criteria: GeneDx Variant Classification (06012015). Collection method: clinical testing. Allele origin: germline. Affected: yes. Not counted in ClinVar's aggregate classification.
Comment: This pathogenic variant is denoted BRCA1 c.2389G>T at the cDNA level and p.Glu797Ter (E797X) at the protein level. The substitution creates a nonsense variant, which changes a Glutamic Acid to a premature stop codon (GAA>TAA), and is predicted to cause loss of normal protein function through either protein truncation or nonsense-mediated mRNA decay. This variant, also known as 2508G>T using alternative nomenclature, has been reported in association with familial breast cancer and ovarian cancer (Liede 1998, Yang 2011) and is considered pathogenic.

Counsyl
Classification: Pathogenic for Breast-ovarian cancer, familial, susceptibility to, 1. Last evaluated: 2017-12-18. Review status: no assertion criteria provided. Collection method: clinical testing. Allele origin: unknown. Not counted in ClinVar's aggregate classification.

Research Molecular Genetics Laboratory, Women's College Hospital, University of Toronto
Classification: Pathogenic for Hereditary breast ovarian cancer syndrome. Last evaluated: 2014-01-31. Review status: no assertion criteria provided. Collection method: research. Allele origin: germline. Affected: yes. Study: The Canadian Open Genetics Repository (COGR). Not counted in ClinVar's aggregate classification.

Sharing Clinical Reports Project (SCRP)
Classification: Pathogenic for Breast-ovarian cancer, familial 1. Last evaluated: 2012-12-03. Review status: no assertion criteria provided. Collection method: clinical testing. Allele origin: germline. Not counted in ClinVar's aggregate classification.

Breast Cancer Information Core (BIC) (BRCA1)
Classification: Pathogenic for Breast-ovarian cancer, familial 1. Last evaluated: 2002-05-29. Review status: no assertion criteria provided. Collection method: clinical testing. Allele origin: germline. Affected: yes. Observed: 4 variant alleles. Not counted in ClinVar's aggregate classification.

OMIM
Classification: Pathogenic for BREAST-OVARIAN CANCER, FAMILIAL, SUSCEPTIBILITY TO, 1. Last evaluated: 1998-06-01. Review status: no assertion criteria provided. Collection method: literature only. Allele origin: germline. Not counted in ClinVar's aggregate classification.

Department of Pathology and Laboratory Medicine, Sinai Health System
Classification: Pathogenic. Review status: no assertion criteria provided. Collection method: clinical testing. Allele origin: unknown. Affected: yes. Study: The Canadian Open Genetics Repository (COGR). Not counted in ClinVar's aggregate classification.
Comment: The variant was also identified as a somatic mutation in a study looking at 429 ovarian cancer cases (frequency of 0.0023) and was not seen in 557 Causcasian controls (Kanchi 2014). The variant was identified in dbSNP (ID: rs rs62625306) as â€šÃ„ÃºWith Pathogenic, Uncertain significance alleleâ€šÃ„Ã¹ but no frequency information was provided, Clinvitae database (classification pathogenic), Fanconi Anemia Mutation Database (LOVD), ARUP Laboratories BRCA Mutations Database (classification definitely pathogenic), the ClinVar database (classification pathogenic, reviewed by an expert panel, submitters: ENIGMA, CIMBA, GeneDx, Ambry Genetics, OMIM, SCRP, and BIC, classification not provided by Invitae), GeneInsight COGR database (classification pathogenic, by 4 clinical laboratories), the BIC database (unavailable), and UMD (3x with a â€šÃ„Ã¹unclassified variantâ€šÃ„Ã¹ classification). The p.Glu797X variant leads to a premature stop codon at position 797, which is predicted to lead to a truncated or absent protein and loss of function. Loss of function variants of the BRCA1 gene are an established mechanism of disease in hereditary breast and ovarian cancer and is the type of variant expected to cause the disorder. In summary, based on the above information, this variant meets our laboratoryâ€šÃ„Ã´s criteria to be classified as pathogenic. REFERENCES: Kanchi KL, Johnson KJ, Lu C, McLellan MD, Leiserson MD, Wendl MC, Zhang Q, Koboldt DC, Xie M, Kandoth C, McMichael JF, Wyczalkowski MA, Larson DE, Schmidt HK, Miller CA, Fulton RS, Spellman PT, Mardis ER, Druley TE, Graubert TA, Goodfellow PJ, Raphael BJ, Wilson RK, Ding L. Integrated analysis of germline and somatic variants in ovarian cancer. Nat Commun. 2014;5:3156. doi: 10.1038/ncomms4156. PubMed PMID: 24448499; PubMed Central PMCID: PMC4025965. Liede A, Rehal P, Vesprini D, Jack E, Abrahamson J, Narod SA. A breast cancer patient of Scottish descent with germ-line mutations in BRCA1 and BRCA2. Am J Hum Genet. 1998 Jun;62(6):1543-4. PubMed PMID: 9585617; PubMed Central PMCID: PMC1377168. Rebbeck TR, Friebel TM, Mitra N, Wan F, Chen S, Andrulis IL, Apostolou P, Arnold N, Arun BK, Barrowdale D, Benitez J, Berger R, Berthet P, Borg A, Buys SS, Caldes T, Carter J, Chiquette J, Claes KB, Couch FJ, Cybulski C, Daly MB, de la Hoya M, Diez O, Domchek SM, Nathanson KL, Durda K, Ellis S; EMBRACE., Evans DG, Foretova L, Friedman E, Frost D, Ganz PA, Garber J, Glendon G, Godwin AK, Greene MH, Gronwald J, Hahnen E, Hallberg E, Hamann U, Hansen TV; HEBON., Imyanitov EN, Isaacs C, Jakubowska A, Janavicius R, Jaworska-Bieniek K, John EM, Karlan BY, Kaufman B, Investigators K, Kwong A, Laitman Y, Lasset C, Lazaro C, Lester J, Loman N, Lubinski J, Manoukian S, Mitchell G, Montagna M, Neuhausen SL, Nevanlinna H, Niederacher D, Nussbaum RL, Offit K, Olah E, Olopade OI, Park SK, Piedmonte M, Radice P, Rappaport-Fuerhauser C, Rookus MA, Seynaeve C, Simard J, Singer CF, Soucy P, Southey M, Stoppa-Lyonnet D, Sukiennicki G, Szabo CI, Tancredi M, Teixeira MR, Teo SH, Terry MB, Thomassen M, Tihomirova L, Tischkowitz M, Toland AE, Toloczko-Grabarek A, Tung N, van Rensburg EJ, Villano D, Wang-Gohrke S, Wappenschmidt B, Weitzel JN, Zidan J, Zorn KK, McGuffog L, Easton D, Chenevix-Trench G, Antoniou AC, Ramus SJ. Inheritance of deleterious mutations at both BRCA1 and BRCA2 in an international sample of 32,295 women. Breast Cancer Res. 2016 Nov 11;18(1):112. PubMed PMID: 27836010; PubMed Central PMCID: PMC5106833.

Literature cited by the submitters: PubMed 9585617 (cited by 5 submitters); PubMed 21990299 (cited by 5 submitters); PubMed 28145423 (cited by Ambry Genetics); PubMed 29446198 (cited by 3 submitters); PubMed 26689913 (cited by Quest Diagnostics Nichols Institute San Juan Capistrano and Sema4); PubMed 27836010 (cited by 3 submitters); PubMed 28831036 (cited by 3 submitters); PubMed 29339979 (cited by Quest Diagnostics Nichols Institute San Juan Capistrano); PubMed 29625052 (cited by Quest Diagnostics Nichols Institute San Juan Capistrano); PubMed 32885271 (cited by Quest Diagnostics Nichols Institute San Juan Capistrano); PubMed 20104584 (cited by Labcorp Genetics (formerly Invitae), Labcorp); PubMed 26681312 (cited by Labcorp Genetics (formerly Invitae), Labcorp and Counsyl).